The following is an entry in ClinVar:

NM_000231.3(SGCG):c.275C>A (p.Ala92Asp)

Gene: SGCG (sarcoglycan gamma; plus strand). Cytogenetic location: 13q12.12.
Variant type: single nucleotide variant.
Coding change: c.275C>A on transcript NM_000231.3 (MANE Select); coding-DNA position 275, C replaced by A.
Protein change: p.Ala92Asp; replaces alanine 92 with aspartic acid.
Molecular consequence: missense variant.
Genome position (GRCh38, 1-based): chr13:23,234,690, C>A. VCF-style: chr13-23234690-C-A. GRCh37 (hg19) VCF-style: chr13-23808829-C-A.
Other names: c.329C>A, p.Ala110Asp (NM_001378244.1); c.275C>A, p.Ala92Asp (NM_001378245.1, NM_001378246.1); short protein forms A92D, A110D.
Identifiers: ClinVar variation 290235 (VCV000290235.12), dbSNP rs886044395, ClinGen allele CA10606702.

ClinVar aggregate classification (germline): Uncertain significance. Review status: criteria provided, multiple submitters, no conflicts (2 of 4 stars). 3 submissions from 3 submitters: Uncertain significance (3). Last evaluated 2024-06-17.

Conditions:
Autosomal recessive limb-girdle muscular dystrophy type 2C (LGMDR5). Also called: MUSCULAR DYSTROPHY, DUCHENNE-LIKE; MUSCULAR DYSTROPHY, LIMB-GIRDLE, AUTOSOMAL RECESSIVE 5. Identifiers: Orphanet 353, MedGen C0410173, MONDO:0009677, OMIM 253700. Disease mechanism: Affects gamma-sarcoglycan and also disrupts the integrity of the entire sarcoglycan complex..

Allele frequency attached by ClinVar (database versions not stated): gnomAD exomes below 0.00001.

Submissions (3):

Labcorp Genetics (formerly Invitae), Labcorp
Classification: Uncertain significance for Autosomal recessive limb-girdle muscular dystrophy type 2C. Last evaluated: 2024-06-17. Review status: criteria provided, single submitter. Criteria: Invitae Variant Classification Sherloc (09022015). Collection method: clinical testing. Allele origin: germline.
Comment: This sequence change replaces alanine, which is neutral and non-polar, with aspartic acid, which is acidic and polar, at codon 92 of the SGCG protein (p.Ala92Asp). This variant is not present in population databases (gnomAD no frequency). This variant has not been reported in the literature in individuals affected with SGCG-related conditions. ClinVar contains an entry for this variant (Variation ID: 290235). Advanced modeling of protein sequence and biophysical properties (such as structural, functional, and spatial information, amino acid conservation, physicochemical variation, residue mobility, and thermodynamic stability) performed at Invitae indicates that this missense variant is expected to disrupt SGCG protein function with a positive predictive value of 80%. In summary, the available evidence is currently insufficient to determine the role of this variant in disease. Therefore, it has been classified as a Variant of Uncertain Significance.

Revvity Omics, Revvity
Classification: Uncertain significance for Autosomal recessive limb-girdle muscular dystrophy type 2C. Last evaluated: 2022-11-03. Review status: criteria provided, single submitter. Criteria: ACMG Guidelines, 2015. Collection method: clinical testing. Allele origin: germline.

Eurofins Ntd Llc (ga)
Classification: Uncertain significance. Last evaluated: 2016-08-08. Review status: criteria provided, single submitter. Criteria: EGL Classification Definitions 2015. Collection method: clinical testing. Allele origin: germline. Observed: 1 variant allele, 1 heterozygote.